The following is an entry in ClinVar:

ClinVar aggregate classification (germline): Uncertain significance (1 of 4 stars; one submission).

Allele frequency attached by ClinVar (database versions not stated): gnomAD exomes below 0.00001.
gnomAD v4.1: 2 of 1,613,786 alleles (0.00012%); highest among the groups gnomAD compares: Non-Finnish European, 0.00017%; no homozygotes.

Submission:

Labcorp Genetics (formerly Invitae), Labcorp
Classification: Uncertain significance. Last evaluated: 2023-01-26. Review status: criteria provided, single submitter. Criteria: Invitae Variant Classification Sherloc (09022015). Collection method: clinical testing. Allele origin: germline.
Comment: This sequence change affects codon 454 of the PPP2R1A mRNA. It is a 'silent' change, meaning that it does not change the encoded amino acid sequence of the PPP2R1A protein. It affects a nucleotide within the consensus splice site. This variant is not present in population databases (gnomAD no frequency). This variant has not been reported in the literature in individuals affected with PPP2R1A-related conditions. Algorithms developed to predict the effect of sequence changes on RNA splicing suggest that this variant is not likely to affect RNA splicing. In summary, the available evidence is currently insufficient to determine the role of this variant in disease. Therefore, it has been classified as a Variant of Uncertain Significance.

NM_014225.6(PPP2R1A):c.1362T>C (p.His454=)

Gene: PPP2R1A (protein phosphatase 2 scaffold subunit Aalpha; plus strand). Cytogenetic location: 19q13.41.
Variant type: single nucleotide variant.
Coding change: c.1362T>C on transcript NM_014225.6 (MANE Select); coding-DNA position 1362, T replaced by C.
Protein change: p.His454=; no amino-acid change (histidine 454 retained).
Molecular consequence: synonymous variant. On other transcripts: non-coding transcript variant (1).
Genome position (GRCh38, 1-based): chr19:52,220,248, T>C. VCF-style: chr19-52220248-T-C. GRCh37 (hg19) VCF-style: chr19-52723501-T-C.
Other names: c.825T>C, p.His275= (NM_001363656.2).
Identifiers: ClinVar variation 2861002 (VCV002861002.3), dbSNP rs2514099589, ClinGen allele CA508635694.